The following is an entry in ClinVar:

ClinVar aggregate classification (germline): Benign/Likely benign. Review status: criteria provided, multiple submitters, no conflicts (2 of 4 stars). 3 submissions from 3 submitters: Benign (1); Likely benign (2). Last evaluated 2025-07-29.

Conditions:
Hereditary cancer-predisposing syndrome. Also called: Hereditary Cancer Syndrome; Neoplastic Syndromes, Hereditary; Tumor predisposition; Hereditary neoplastic syndrome. Identifiers: Orphanet 140162, MedGen C0027672, MeSH D009386, MONDO:0015356.
Renal cell carcinoma. Identifiers: Orphanet 217071, MedGen C0007134, MeSH D002292, MONDO:0005086, HP:0005584.
Papillary renal cell carcinoma type 1 (RCCP1). Also called: Renal adenocarcinoma; Renal cell carcinoma 1; Renal cell carcinoma, somatic; RENAL CELL CARCINOMA, PAPILLARY, 1, SOMATIC. Identifiers: Orphanet 47044, MedGen C1336839, OMIM 605074, HP:0011797.

Allele frequency attached by ClinVar (database versions not stated): gnomAD exomes below 0.00001.
gnomAD v4.1: 2 of 1,613,918 alleles (0.00012%); highest among the groups gnomAD compares: Non-Finnish European, 0.00017%; no homozygotes.

Submissions (3):

Labcorp Genetics (formerly Invitae), Labcorp
Classification: Likely benign for Renal cell carcinoma. Last evaluated: 2025-07-29. Review status: criteria provided, single submitter. Criteria: Invitae Variant Classification Sherloc (09022015). Collection method: clinical testing. Allele origin: germline.

Myriad Genetics, Inc.
Classification: Benign for Papillary renal cell carcinoma type 1. Last evaluated: 2024-11-08. Review status: criteria provided, single submitter. Criteria: Myriad Autosomal Dominant, Autosomal Recessive and X-Linked Classification Criteria (2023). Collection method: clinical testing. Allele origin: unknown.
Comment: This variant is considered benign. This variant is a silent/synonymous amino acid change and it is not expected to impact splicing.

Ambry Genetics
Classification: Likely benign for Hereditary cancer-predisposing syndrome. Last evaluated: 2023-12-07. Review status: criteria provided, single submitter. Criteria: Ambry Variant Classification Scheme 2023. Collection method: clinical testing. Allele origin: germline.

NM_000245.4(MET):c.2079T>C (p.Gly693=)

Gene: MET (MET proto-oncogene, receptor tyrosine kinase; plus strand). Cytogenetic location: 7q31.2.
Variant type: single nucleotide variant.
Coding change: c.2079T>C on transcript NM_000245.4 (MANE Select); coding-DNA position 2079, T replaced by C.
Protein change: p.Gly693=; no amino-acid change (glycine 693 retained).
Molecular consequence: synonymous variant.
Genome position (GRCh38, 1-based): chr7:116,757,751, T>C. VCF-style: chr7-116757751-T-C. GRCh37 (hg19) VCF-style: chr7-116397805-T-C.
Other names: c.2079T>C, p.Gly693= (NM_001127500.3, NM_001324401.3); c.789T>C, p.Gly263= (NM_001324402.2); c.2079T>C (NM_001127500.1).
Identifiers: ClinVar variation 1083490 (VCV001083490.11), dbSNP rs1584941818, ClinGen allele CA457216603.